The following is an entry in ClinVar:

ClinVar aggregate classification (germline): Uncertain significance (1 of 4 stars; one submission).

Allele frequency attached by ClinVar (database versions not stated): gnomAD exomes below 0.00001.
gnomAD v4.1: 3 of 1,614,088 alleles (0.00019%); highest among the groups gnomAD compares: Non-Finnish European, 0.00025%; no homozygotes.

Submission:

CeGaT Center for Human Genetics Tuebingen
Classification: Uncertain significance. Last evaluated: 2025-08-01. Review status: criteria provided, single submitter. Criteria: CeGaT Center For Human Genetics Tuebingen Variant Classification Criteria Version 2. Collection method: clinical testing. Allele origin: germline. Affected: yes. Observed: 2 variant alleles.
Comment: RYR1: PM2, PP3

NM_000540.3(RYR1):c.1501C>T (p.His501Tyr)

Genes: RYR1 (ryanodine receptor 1; plus strand), LOC129391106 (MPRA-validated peak3472 silencer; plus strand). Cytogenetic location: 19q13.2.
Variant type: single nucleotide variant.
Coding change: c.1501C>T on transcript NM_000540.3 (MANE Select); coding-DNA position 1501, C replaced by T.
Protein change: p.His501Tyr; replaces histidine 501 with tyrosine.
Molecular consequence: missense variant.
Genome position (GRCh38, 1-based): chr19:38,455,295, C>T. VCF-style: chr19-38455295-C-T. GRCh37 (hg19) VCF-style: chr19-38945935-C-T.
Other names: c.1501C>T, p.His501Tyr (NM_001042723.2); short protein forms H501Y.
Identifiers: ClinVar variation 2672763 (VCV002672763.23), dbSNP rs2514025594, ClinGen allele CA405688854.